The following is an entry in ClinVar:

NM_033118.4(MYLK2):c.599T>C (p.Leu200Pro)

Gene: MYLK2 (myosin light chain kinase 2; plus strand). Cytogenetic location: 20q11.21.
Variant type: single nucleotide variant.
Coding change: c.599T>C on transcript NM_033118.4 (MANE Select); coding-DNA position 599, T replaced by C.
Protein change: p.Leu200Pro; replaces leucine 200 with proline.
Molecular consequence: missense variant.
Genome position (GRCh38, 1-based): chr20:31,821,564, T>C. VCF-style: chr20-31821564-T-C. GRCh37 (hg19) VCF-style: chr20-30409367-T-C.
Other names: short protein forms L200P.
Identifiers: ClinVar variation 1723111 (VCV001723111.6), dbSNP rs746360476, ClinGen allele CA9802961.

ClinVar aggregate classification (germline): Conflicting classifications of pathogenicity. Review status: criteria provided, conflicting classifications (1 of 4 stars). 3 submissions from 3 submitters: Uncertain significance (2); Likely benign (1). Last evaluated 2024-07-08.

Conditions:
Hypertrophic cardiomyopathy 1 (CMH1). Also called: Familial hypertrophic cardiomyopathy 1; MYH7-Related Familial Hypertrophic Cardiomyopathy. Identifiers: MedGen C3495498, MONDO:0008647, OMIM 192600.

Allele frequency attached by ClinVar (database versions not stated): gnomAD exomes below 0.00001; gnomAD 0.00001; ExAC 0.00002; TOPMed 0.00003.
gnomAD v4.1: 3 of 1,613,966 alleles (0.00019%); highest among the groups gnomAD compares: African/African-American, 0.004%; no homozygotes.

Submissions (3):

Labcorp Genetics (formerly Invitae), Labcorp
Classification: Uncertain significance for Hypertrophic cardiomyopathy 1. Last evaluated: 2024-07-08. Review status: criteria provided, single submitter. Criteria: Invitae Variant Classification Sherloc (09022015). Collection method: clinical testing. Allele origin: germline.
Comment: This sequence change replaces leucine, which is neutral and non-polar, with proline, which is neutral and non-polar, at codon 200 of the MYLK2 protein (p.Leu200Pro). This variant is present in population databases (rs746360476, gnomAD 0.01%). This variant has not been reported in the literature in individuals affected with MYLK2-related conditions. ClinVar contains an entry for this variant (Variation ID: 1723111). Advanced modeling of protein sequence and biophysical properties (such as structural, functional, and spatial information, amino acid conservation, physicochemical variation, residue mobility, and thermodynamic stability) performed at Invitae indicates that this missense variant is not expected to disrupt MYLK2 protein function with a negative predictive value of 80%. In summary, the available evidence is currently insufficient to determine the role of this variant in disease. Therefore, it has been classified as a Variant of Uncertain Significance.

GeneDx
Classification: Uncertain significance. Last evaluated: 2022-05-02. Review status: criteria provided, single submitter. Criteria: GeneDx Variant Classification Process June 2021. Collection method: clinical testing. Allele origin: germline. Affected: yes.
Comment: In silico analysis supports that this missense variant does not alter protein structure/function; Has not been previously published as pathogenic or benign to our knowledge

Ambry Genetics
Classification: Likely benign. Last evaluated: 2022-04-08. Review status: criteria provided, single submitter. Criteria: Ambry Variant Classification Scheme 2023. Collection method: clinical testing. Allele origin: germline.